The following is an entry in ClinVar:

ClinVar aggregate classification (germline): Uncertain significance (1 of 4 stars; one submission).

Submission:

GeneDx
Classification: Uncertain significance. Last evaluated: 2025-09-19. Review status: criteria provided, single submitter. Criteria: GeneDx Variant Classification Process June 2021. Collection method: clinical testing. Allele origin: germline. Affected: yes.
Comment: In silico analysis supports a deleterious effect on splicing; Has not been previously published as pathogenic or benign to our knowledge

NM_001379659.1(ZNF142):c.881-5_881-4del

Gene: ZNF142 (zinc finger protein 142; minus strand). Cytogenetic location: 2q35.
Variant type: Microsatellite.
Coding change: c.881-5_881-4del on transcript NM_001379659.1 (MANE Select); 5 bases into the intron before coding-DNA position 881 through 4 bases into the intron before coding-DNA position 881, 2 bases deleted (TC; older notation c.881-5_881-4delTC).
Molecular consequence: intron variant.
Genome position (GRCh38, 1-based): chr2:218,650,530-218,650,531, GA deleted on the plus strand (TC on the coding strand, the reverse complement: ZNF142 is on the minus strand); deleting any 2 consecutive bases within chr2:218,650,530-218,650,533 gives the same sequence; the c. name uses the placement nearest the transcript's 3' end. VCF-style (leftmost placement, unchanged base first): chr2-218650529-GGA-G. GRCh37 (hg19) VCF-style: chr2-219515252-GGA-G.
Other names: c.881-5_881-4del (NM_001379660.1, NM_001379661.1, NM_001366290.3); c.281-5_281-4del (NM_001379662.1, NM_001105537.4, NM_001366291.2); c.-209-5_-209-4del (NM_001366289.2, NM_001366288.2, NM_001366287.2).
Identifiers: ClinVar variation 4813909 (VCV004813909.1).